The following is an entry in ClinVar:

ClinVar aggregate classification (germline): Benign/Likely benign. Review status: criteria provided, multiple submitters, no conflicts (2 of 4 stars). 5 submissions from 5 submitters: Benign (3); Likely benign (2). Last evaluated 2026-05-13.

Conditions:
3M syndrome 1. Also called: 3-M Syndrome, CUL7-Related. Identifiers: Orphanet 2616, MedGen C2678312, MONDO:0010117, OMIM 273750.

Allele frequency attached by ClinVar (database versions not stated): gnomAD exomes 0.00090; ExAC 0.00249; 1000 Genomes Project 30x 0.00328; 1000 Genomes Project 0.00339; gnomAD 0.00389 and 0.00426; ESP Exome Variant Server 0.00419; TOPMed 0.00436.
gnomAD v4.1: 1,142 of 1,555,354 alleles (0.073%); highest among the groups gnomAD compares: African/African-American, 1.4%; 6 homozygotes.

Submissions (5):

Women's Health and Genetics/Laboratory Corporation of America, LabCorp
Classification: Likely benign. Last evaluated: 2026-05-13. Review status: criteria provided, single submitter. Criteria: LabCorp Variant Classification Summary - May 2015. Collection method: clinical testing. Allele origin: germline.

Labcorp Genetics (formerly Invitae), Labcorp
Classification: Benign. Last evaluated: 2026-01-26. Review status: criteria provided, single submitter. Criteria: Invitae Variant Classification Sherloc (09022015). Collection method: clinical testing. Allele origin: germline.

Blueprint Genetics
Classification: Likely benign. Last evaluated: 2024-10-24. Review status: criteria provided, single submitter. Criteria: ACMG Guidelines, 2015. Collection method: clinical testing. Allele origin: germline.

Illumina Laboratory Services, Illumina
Classification: Benign for 3M syndrome 1. Last evaluated: 2018-01-13. Review status: criteria provided, single submitter. Criteria: ICSL Variant Classification Criteria 13 December 2019. Collection method: clinical testing. Allele origin: germline.
Comment: This variant was observed in the ICSL laboratory as part of a predisposition screen in an ostensibly healthy population. It had not been previously curated by ICSL or reported in the Human Gene Mutation Database (HGMD: prior to June 1st, 2018), and was therefore a candidate for classification through an automated scoring system. Utilizing variant allele frequency, disease prevalence and penetrance estimates, and inheritance mode, an automated score was calculated to assess if this variant is too frequent to cause the disease. Based on the score and internal cut-off values, a variant classified as benign is not then subjected to further curation. The score for this variant resulted in a classification of benign for this disease.

Eurofins Ntd Llc (ga)
Classification: Benign. Last evaluated: 2015-08-28. Review status: criteria provided, single submitter. Criteria: EGL Classification Definitions 2015. Collection method: clinical testing. Allele origin: germline. Observed: 1 variant allele, 1 heterozygote.

NM_014780.5(CUL7):c.5088C>T (p.Thr1696=)

Gene: CUL7 (cullin 7; minus strand). Cytogenetic location: 6p21.1.
Variant type: single nucleotide variant.
Coding change: c.5088C>T on transcript NM_014780.5 (MANE Select); coding-DNA position 5088, C replaced by T.
Protein change: p.Thr1696=; no amino-acid change (threonine 1696 retained).
Molecular consequence: synonymous variant.
Genome position (GRCh38, 1-based): chr6:43,037,697, G>A on the plus strand (C>T on the coding strand, the complement: CUL7 is on the minus strand). VCF-style: chr6-43037697-G-A. GRCh37 (hg19) VCF-style: chr6-43005435-G-A.
Other names: c.5184C>T, p.Thr1728= (NM_001168370.2, NM_001374872.1); c.5100C>T, p.Thr1700= (NM_001374873.1); c.5085C>T, p.Thr1695= (NM_001374874.1).
Identifiers: ClinVar variation 282943 (VCV000282943.21), dbSNP rs73733789, ClinGen allele CA3813048.